The following is an entry in ClinVar:

NM_001184880.2(PCDH19):c.1432C>T (p.Arg478Cys)

Gene: PCDH19 (protocadherin 19; minus strand). Cytogenetic location: Xq22.1.
Variant type: single nucleotide variant.
Coding change: c.1432C>T on transcript NM_001184880.2 (MANE Select); coding-DNA position 1432, C replaced by T.
Protein change: p.Arg478Cys; replaces arginine 478 with cysteine.
Molecular consequence: missense variant.
Genome position (GRCh38, 1-based): chrX:100,407,166, G>A on the plus strand (C>T on the coding strand, the complement: PCDH19 is on the minus strand). VCF-style: chrX-100407166-G-A. GRCh37 (hg19) VCF-style: chrX-99662164-G-A.
Other names: c.1432C>T (NM_001184880.1); c.1432C>T, p.Arg478Cys (NM_001105243.2, NM_020766.3); short protein forms R478C.
Identifiers: ClinVar variation 2778478 (VCV002778478.4), dbSNP rs1475197126, ClinGen allele CA414002739.

ClinVar aggregate classification (germline): Uncertain significance. Review status: criteria provided, multiple submitters, no conflicts (2 of 4 stars). 2 submissions from 2 submitters: Uncertain significance (2). Last evaluated 2025-07-15.

Conditions:
Developmental and epileptic encephalopathy, 9 (DEE9). Also called: Early infantile epileptic encephalopathy 9; EPILEPSY, FEMALE-RESTRICTED, WITH MENTAL RETARDATION; PCDH19-Related X-Linked Female-Limited Epilepsy with Mental Retardation; JUBERG-HELLMAN SYNDROME. Identifiers: Orphanet 101039, Orphanet 2076, MedGen C1848137, MONDO:0010246, OMIM 300088. Disease mechanism: loss of function.
Inborn genetic diseases. Identifiers: MedGen C0950123, MeSH D030342.

Submissions (2):

Ambry Genetics
Classification: Uncertain significance for Inborn genetic diseases. Last evaluated: 2025-07-15. Review status: criteria provided, single submitter. Criteria: Ambry Variant Classification Scheme 2023. Collection method: clinical testing. Allele origin: germline.

Labcorp Genetics (formerly Invitae), Labcorp
Classification: Uncertain significance for Developmental and epileptic encephalopathy, 9. Last evaluated: 2023-11-08. Review status: criteria provided, single submitter. Criteria: Invitae Variant Classification Sherloc (09022015). Collection method: clinical testing. Allele origin: germline.
Comment: This sequence change replaces arginine, which is basic and polar, with cysteine, which is neutral and slightly polar, at codon 478 of the PCDH19 protein (p.Arg478Cys). This variant is not present in population databases (gnomAD no frequency). This variant has not been reported in the literature in individuals affected with PCDH19-related conditions. Advanced modeling of protein sequence and biophysical properties (such as structural, functional, and spatial information, amino acid conservation, physicochemical variation, residue mobility, and thermodynamic stability) has been performed at Invitae for this missense variant, however the output from this modeling did not meet the statistical confidence thresholds required to predict the impact of this variant on PCDH19 protein function. In summary, the available evidence is currently insufficient to determine the role of this variant in disease. Therefore, it has been classified as a Variant of Uncertain Significance.